The following is an entry in ClinVar:

ClinVar aggregate classification (germline): Uncertain significance (1 of 4 stars; one submission).

Conditions:
Epidermolysis bullosa simplex with nail dystrophy (EBS5D). Identifiers: MedGen C4225309, MONDO:0014661, OMIM 616487.
Epidermolysis bullosa simplex 5B, with muscular dystrophy (EBS5B). Also called: EPIDERMOLYSIS BULLOSA SIMPLEX AND LIMB-GIRDLE MUSCULAR DYSTROPHY; Epidermolysis bullosa simplex with muscular dystrophy. Identifiers: Orphanet 257, MedGen C2931072, MONDO:0009181, OMIM 226670.
Epidermolysis bullosa simplex, Ogna type (EBS5A). Also called: Pidermolysis bullosa simplex 5A, Ogna type; EPIDERMOLYSIS BULLOSA SIMPLEX 5A, OGNA TYPE. Identifiers: Orphanet 79401, MedGen C0432317, MONDO:0007555, OMIM 131950.
Autosomal recessive limb-girdle muscular dystrophy type 2Q (LGMDR17). Also called: MUSCULAR DYSTROPHY, LIMB-GIRDLE, AUTOSOMAL RECESSIVE 17. Identifiers: Orphanet 254361, MedGen C3150989, MONDO:0013390, OMIM 613723.
Epidermolysis bullosa simplex 5C, with pyloric atresia (EBS5C). Also called: PLEC-Related Epidermolysis Bullosa with Pyloric Atresia; Epidermolysis bullosa simplex with pyloric atresia; PLEC1-Related Epidermolysis Bullosa with Pyloric Atresia. Identifiers: Orphanet 158684, MedGen C2677349, MONDO:0012807, OMIM 612138.

Submission:

Labcorp Genetics (formerly Invitae), Labcorp
Classification: Uncertain significance for Autosomal recessive limb-girdle muscular dystrophy type 2Q; Epidermolysis bullosa simplex, Ogna type; Epidermolysis bullosa simplex with nail dystrophy; Epidermolysis bullosa simplex 5C, with pyloric atresia; Epidermolysis bullosa simplex 5B, with muscular dystrophy. Last evaluated: 2017-11-15. Review status: criteria provided, single submitter. Criteria: Invitae Variant Classification Sherloc (09022015). Collection method: clinical testing. Allele origin: germline.
Comment: Algorithms developed to predict the effect of missense changes on protein structure and function do not agree on the potential impact of this missense change (SIFT: "Tolerated"; PolyPhen-2: "Possibly Damaging"; Align-GVGD: "Class C15"). In summary, the available evidence is currently insufficient to determine the role of this variant in disease. Therefore, it has been classified as a Variant of Uncertain Significance. This sequence change replaces proline with leucine at codon 4434 of the PLEC protein (p.Pro4434Leu). The proline residue is moderately conserved and there is a moderate physicochemical difference between proline and leucine. This variant is not present in population databases (ExAC no frequency). This variant has not been reported in the literature in individuals with PLEC-related disease.

NM_201384.3(PLEC):c.13220C>T (p.Pro4407Leu)

Gene: PLEC (plectin; minus strand). Cytogenetic location: 8q24.3.
Variant type: single nucleotide variant.
Coding change: c.13220C>T on transcript NM_201384.3 (MANE Select); coding-DNA position 13220, C replaced by T.
Protein change: p.Pro4407Leu; replaces proline 4407 with leucine.
Molecular consequence: missense variant.
Genome position (GRCh38, 1-based): chr8:143,916,601, G>A on the plus strand (C>T on the coding strand, the complement: PLEC is on the minus strand). VCF-style: chr8-143916601-G-A. GRCh37 (hg19) VCF-style: chr8-144990769-G-A.
Other names: c.13301C>T, p.Pro4434Leu (NM_000445.5); c.13178C>T, p.Pro4393Leu (NM_201378.4); c.13154C>T, p.Pro4385Leu (NM_201379.3); c.13631C>T, p.Pro4544Leu (NM_201380.4); c.13124C>T, p.Pro4375Leu (NM_201381.3); c.13220C>T, p.Pro4407Leu (NM_201382.4); c.13232C>T, p.Pro4411Leu (NM_201383.3); short protein forms P4375L, P4434L, P4385L, P4544L, P4393L, P4407L, P4411L.
Identifiers: ClinVar variation 538958 (VCV000538958.9), dbSNP rs1554669693, ClinGen allele CA372475935.